The following is an entry in ClinVar:

ClinVar aggregate classification (germline): Uncertain significance. Review status: criteria provided, multiple submitters, no conflicts (2 of 4 stars). 2 submissions from 2 submitters: Uncertain significance (2). Last evaluated 2025-12-09.

Conditions:
Inborn genetic diseases. Identifiers: MedGen C0950123, MeSH D030342.
3-methylglutaconic aciduria type 5. Also called: 3 alpha methylglutaconic aciduria type V; MGA 5; CARDIOMYOPATHY, DILATED, WITH ATAXIA; MGA, TYPE V. Identifiers: Orphanet 66634, MedGen C1857776, MONDO:0012435, OMIM 610198.

Allele frequency attached by ClinVar (database versions not stated): gnomAD 0.00001; ExAC 0.00002; gnomAD exomes 0.00002; 1000 Genomes Project 30x 0.00016; 1000 Genomes Project 0.00020.
gnomAD v4.1: 25 of 1,613,548 alleles (0.0015%); highest among the groups gnomAD compares: Middle Eastern, 0.017%; no homozygotes.

Submissions (2):

Ambry Genetics
Classification: Uncertain significance for Inborn genetic diseases. Last evaluated: 2025-12-09. Review status: criteria provided, single submitter. Criteria: Ambry Variant Classification Scheme 2023. Collection method: clinical testing. Allele origin: germline.

Labcorp Genetics (formerly Invitae), Labcorp
Classification: Uncertain significance for 3-methylglutaconic aciduria type 5. Last evaluated: 2024-01-02. Review status: criteria provided, single submitter. Criteria: Invitae Variant Classification Sherloc (09022015). Collection method: clinical testing. Allele origin: germline.
Comment: This sequence change replaces arginine, which is basic and polar, with glutamine, which is neutral and polar, at codon 84 of the DNAJC19 protein (p.Arg84Gln). This variant is present in population databases (rs199774384, gnomAD 0.002%). This variant has not been reported in the literature in individuals affected with DNAJC19-related conditions. An algorithm developed to predict the effect of missense changes on protein structure and function (PolyPhen-2) suggests that this variant¬¨‚Ä†is likely to be tolerated. In summary, the available evidence is currently insufficient to determine the role of this variant in disease. Therefore, it has been classified as a Variant of Uncertain Significance.

NM_145261.4(DNAJC19):c.251G>A (p.Arg84Gln)

Gene: DNAJC19 (DnaJ heat shock protein family (Hsp40) member C19; minus strand). Cytogenetic location: 3q26.33.
Variant type: single nucleotide variant.
Coding change: c.251G>A on transcript NM_145261.4 (MANE Select); coding-DNA position 251, G replaced by A.
Protein change: p.Arg84Gln; replaces arginine 84 with glutamine.
Molecular consequence: missense variant. On other transcripts: non-coding transcript variant (4).
Genome position (GRCh38, 1-based): chr3:180,985,955, C>T on the plus strand (G>A on the coding strand, the complement: DNAJC19 is on the minus strand). VCF-style: chr3-180985955-C-T. GRCh37 (hg19) VCF-style: chr3-180703743-C-T.
Other names: c.176G>A, p.Arg59Gln (NM_001190233.2); c.251G>A (NM_145261.3); short protein forms R59Q, R84Q.
Identifiers: ClinVar variation 2764371 (VCV002764371.3), dbSNP rs199774384, ClinGen allele CA2717079.